The following is an entry in ClinVar:

NM_001374675.1(HSF4):c.1476C>A (p.Pro492=)

Gene: HSF4 (heat shock transcription factor 4; plus strand). Cytogenetic location: 16q22.1.
Variant type: single nucleotide variant.
Coding change: c.1476C>A on transcript NM_001374675.1 (MANE Select); coding-DNA position 1476, C replaced by A.
Protein change: p.Pro492=; no amino-acid change (proline 492 retained).
Molecular consequence: synonymous variant.
Genome position (GRCh38, 1-based): chr16:67,169,782, C>A. VCF-style: chr16-67169782-C-A. GRCh37 (hg19) VCF-style: chr16-67203685-C-A.
Other names: c.1476C>A, p.Pro492= (NM_001040667.3); c.1386C>A, p.Pro462= (NM_001374674.1, NM_001538.4).
Identifiers: ClinVar variation 320191 (VCV000320191.11), dbSNP rs367756178, ClinGen allele CA8102205.

ClinVar aggregate classification (germline): Benign/Likely benign. Review status: criteria provided, multiple submitters, no conflicts (2 of 4 stars). 3 submissions from 3 submitters: Benign (1); Likely benign (1). 1 of the submissions does not count toward it. Last evaluated 2026-01-06.

Conditions:
HSF4-related disorder. Also called: HSF4-related condition.
Cataract 5 multiple types (CTRCT5). Also called: CATARACT, MARNER TYPE; Lamellar cataract; CATARACT 5, LAMELLAR. Identifiers: Orphanet 91492, MedGen C0266537, MONDO:0007290, OMIM 116800, HP:0007971.

Allele frequency attached by ClinVar (database versions not stated): gnomAD 0.00016; ESP Exome Variant Server 0.00017; TOPMed 0.00021.
gnomAD v4.1: 446 of 1,613,158 alleles (0.028%); highest among the groups gnomAD compares: South Asian, 0.067%; 1 homozygote.

Submissions (3):

Labcorp Genetics (formerly Invitae), Labcorp
Classification: Likely benign for Cataract 5 multiple types. Last evaluated: 2026-01-06. Review status: criteria provided, single submitter. Criteria: Invitae Variant Classification Sherloc (09022015). Collection method: clinical testing. Allele origin: germline.

Illumina Laboratory Services, Illumina
Classification: Benign for Cataract 5 multiple types. Last evaluated: 2018-01-13. Review status: criteria provided, single submitter. Criteria: ICSL Variant Classification Criteria 13 December 2019. Collection method: clinical testing. Allele origin: germline.
Comment: This variant was observed in the ICSL laboratory as part of a predisposition screen in an ostensibly healthy population. It had not been previously curated by ICSL or reported in the Human Gene Mutation Database (HGMD: prior to June 1st, 2018), and was therefore a candidate for classification through an automated scoring system. Utilizing variant allele frequency, disease prevalence and penetrance estimates, and inheritance mode, an automated score was calculated to assess if this variant is too frequent to cause the disease. Based on the score and internal cut-off values, a variant classified as benign is not then subjected to further curation. The score for this variant resulted in a classification of benign for this disease.

PreventionGenetics, part of Exact Sciences
Classification: Likely benign for HSF4-related condition. Last evaluated: 2024-05-02. Review status: no assertion criteria provided. Collection method: clinical testing. Allele origin: germline. Not counted in ClinVar's aggregate classification.
Comment: This variant is classified as likely benign based on ACMG/AMP sequence variant interpretation guidelines (Richards et al. 2015 PMID: 25741868, with internal and published modifications).